The following is an entry in ClinVar:

NM_203447.4(DOCK8):c.5053C>A (p.Leu1685Met)

Gene: DOCK8 (dedicator of cytokinesis 8; plus strand). Cytogenetic location: 9p24.3.
Variant type: single nucleotide variant.
Coding change: c.5053C>A on transcript NM_203447.4 (MANE Select); coding-DNA position 5053, C replaced by A.
Protein change: p.Leu1685Met; replaces leucine 1685 with methionine.
Molecular consequence: missense variant.
Genome position (GRCh38, 1-based): chr9:434,949, C>A. VCF-style: chr9-434949-C-A. GRCh37 (hg19) VCF-style: chr9-434949-C-A.
Other names: c.4753C>A, p.Leu1585Met (NM_001190458.2); c.4849C>A, p.Leu1617Met (NM_001193536.2); short protein forms L1617M, L1685M, L1585M.
Identifiers: ClinVar variation 861573 (VCV000861573.8), dbSNP rs1330400030, ClinGen allele CA372767546.

ClinVar aggregate classification (germline): Uncertain significance (1 of 4 stars; one submission).

Conditions:
Combined immunodeficiency due to DOCK8 deficiency (HIES2). Also called: HIES autosomal recessive; DOCK8 Deficiency; Hyper-IgE recurrent infection syndrome, autosomal recessive; HYPER-IgE RECURRENT INFECTION SYNDROME 2, AUTOSOMAL RECESSIVE; HYPER-IgE SYNDROME 2, AUTOSOMAL RECESSIVE, WITH RECURRENT INFECTIONS. Identifiers: Orphanet 217390, MedGen C4722305, MONDO:0009478, OMIM 243700.

Allele frequency attached by ClinVar (database versions not stated): TOPMed below 0.00001.

Submission:

Labcorp Genetics (formerly Invitae), Labcorp
Classification: Uncertain significance for Combined immunodeficiency due to DOCK8 deficiency. Last evaluated: 2021-09-17. Review status: criteria provided, single submitter. Criteria: Invitae Variant Classification Sherloc (09022015). Collection method: clinical testing. Allele origin: germline.
Comment: Algorithms developed to predict the effect of missense changes on protein structure and function are either unavailable or do not agree on the potential impact of this missense change (SIFT: "Tolerated"; PolyPhen-2: "Possibly Damaging"; Align-GVGD: "Class C0"). This variant has not been reported in the literature in individuals affected with DOCK8-related conditions. This variant is not present in population databases (ExAC no frequency). This sequence change replaces leucine with methionine at codon 1685 of the DOCK8 protein (p.Leu1685Met). The leucine residue is highly conserved and there is a small physicochemical difference between leucine and methionine. In summary, the available evidence is currently insufficient to determine the role of this variant in disease. Therefore, it has been classified as a Variant of Uncertain Significance.